The following is an entry in ClinVar:

ClinVar aggregate classification (germline): Uncertain significance (1 of 4 stars; one submission).

Submission:

Labcorp Genetics (formerly Invitae), Labcorp
Classification: Uncertain significance. Last evaluated: 2022-02-04. Review status: criteria provided, single submitter. Criteria: Invitae Variant Classification Sherloc (09022015). Collection method: clinical testing. Allele origin: germline.
Comment: In summary, the available evidence is currently insufficient to determine the role of this variant in disease. Therefore, it has been classified as a Variant of Uncertain Significance. Algorithms developed to predict the effect of missense changes on protein structure and function (SIFT, PolyPhen-2, Align-GVGD) all suggest that this variant is likely to be disruptive. This sequence change replaces valine, which is neutral and non-polar, with leucine, which is neutral and non-polar, at codon 164 of the CAMK2B protein (p.Val164Leu). This variant is not present in population databases (gnomAD no frequency). This variant has not been reported in the literature in individuals affected with CAMK2B-related conditions.

NM_001220.5(CAMK2B):c.490G>C (p.Val164Leu)

Gene: CAMK2B (calcium/calmodulin dependent protein kinase II beta; minus strand). Cytogenetic location: 7p13.
Variant type: single nucleotide variant.
Coding change: c.490G>C on transcript NM_001220.5 (MANE Select); coding-DNA position 490, G replaced by C.
Protein change: p.Val164Leu; replaces valine 164 with leucine.
Molecular consequence: missense variant.
Genome position (GRCh38, 1-based): chr7:44,243,452, C>G on the plus strand (G>C on the coding strand, the complement: CAMK2B is on the minus strand). VCF-style: chr7-44243452-C-G. GRCh37 (hg19) VCF-style: chr7-44283051-C-G.
Other names: c.490G>C, p.Val164Leu (NM_001293170.2, NM_172078.3, NM_172079.3 and 5 more transcripts); short protein forms V164L.
Identifiers: ClinVar variation 2092831 (VCV002092831.4), dbSNP rs2486094860, ClinGen allele CA367366050.